The following is an entry in ClinVar:

NM_080732.4(EGLN2):c.295C>G (p.Leu99Val)

Genes: EGLN2 (egl-9 family hypoxia inducible factor 2; plus strand), RAB4B-EGLN2 (RAB4B-EGLN2 readthrough (NMD candidate); plus strand). Cytogenetic location: 19q13.2.
Variant type: single nucleotide variant.
Coding change: c.295C>G on transcript NM_080732.4 (MANE Select); coding-DNA position 295, C replaced by G.
Protein change: p.Leu99Val; replaces leucine 99 with valine.
Molecular consequence: missense variant. On other transcripts: non-coding transcript variant (1).
Genome position (GRCh38, 1-based): chr19:40,800,867, C>G. VCF-style: chr19-40800867-C-G. GRCh37 (hg19) VCF-style: chr19-41306772-C-G.
Other names: c.295C>G, p.Leu99Val (NM_053046.4); short protein forms L99V.
Identifiers: ClinVar variation 1798146 (VCV001798146.3), dbSNP rs1245002043, ClinGen allele CA405954956.
Genomic context (GRCh38, chr19:40,800,867, plus strand): 5'-GGTTTTGGCGGGCAGGATGGTGGTGAGCTGCGGCCGCTGCAGAGTGAAGGCGCTGCAGCG[C>G]TGGTCACCAAGGGGTGCCAGCGATTGGCAGCCCAGGGCGCACGGCCTGAGGCCCCCAAAC-3'
Protein context (NP_542770.2, residues 89-109): RPLQSEGAAA[Leu99Val]VTKGCQRLAA

ClinVar aggregate classification (germline): Uncertain significance (1 of 4 stars; one submission).

Allele frequency attached by ClinVar (database versions not stated): TOPMed 0.00001.

Submission:

Ambry Genetics
Classification: Uncertain significance. Last evaluated: 2024-07-05. Review status: criteria provided, single submitter. Criteria: Ambry Variant Classification Scheme 2023. Collection method: clinical testing. Allele origin: germline.
Comment: The p.L99V variant (also known as c.295C>G), located in coding exon 1 of the EGLN2 gene, results from a C to G substitution at nucleotide position 295. The leucine at codon 99 is replaced by valine, an amino acid with highly similar properties. This amino acid position is conserved. In addition, this alteration is predicted to be tolerated by in silico analysis. Since supporting evidence is limited at this time, the clinical significance of this alteration remains unclear.